The following is an entry in ClinVar:

NM_004982.4(KCNJ8):c.808G>A (p.Val270Met)

Genes: KCNJ8 (potassium inwardly rectifying channel subfamily J member 8; minus strand), KCNJ8-AS1 (KCNJ8 antisense RNA 1; plus strand). Cytogenetic location: 12p12.1.
Variant type: single nucleotide variant.
Coding change: c.808G>A on transcript NM_004982.4 (MANE Select); coding-DNA position 808, G replaced by A.
Protein change: p.Val270Met; replaces valine 270 with methionine.
Molecular consequence: missense variant.
Genome position (GRCh38, 1-based): chr12:21,766,190, C>T on the plus strand (G>A on the coding strand, the complement: KCNJ8 is on the minus strand). VCF-style: chr12-21766190-C-T. GRCh37 (hg19) VCF-style: chr12-21919124-C-T.
Identifiers: ClinVar variation 1761943 (VCV001761943.8), dbSNP rs933438680, ClinGen allele CA233613821.

ClinVar aggregate classification (germline): Uncertain significance. Review status: criteria provided, multiple submitters, no conflicts (2 of 4 stars). 2 submissions from 2 submitters: Uncertain significance (2). Last evaluated 2026-03-27.

Conditions:
Brugada syndrome. Also called: Sudden unexpected nocturnal death syndrome; Sudden unexplained nocturnal death syndrome; Sudden Unexplained Death Syndrome; Sudden Unexplained Nocturnal Death Syndrome (SUNDS). Identifiers: Orphanet 130, MedGen C1142166, MONDO:0015263.
Cardiovascular phenotype. Identifiers: MedGen CN230736.

Allele frequency attached by ClinVar (database versions not stated): gnomAD exomes below 0.00001; gnomAD 0.00001; TOPMed 0.00001.
gnomAD v4.1: 9 of 1,613,950 alleles (0.00056%); highest among the groups gnomAD compares: African/African-American, 0.0053%; no homozygotes.

Submissions (2):

Ambry Genetics
Classification: Uncertain significance for Cardiovascular phenotype. Last evaluated: 2026-03-27. Review status: criteria provided, single submitter. Criteria: Ambry Variant Classification Scheme 2023. Collection method: clinical testing. Allele origin: germline.
Comment: The c.808G>A (p.V270M) alteration is located in exon 3 (coding exon 2) of the KCNJ8 gene. This alteration results from a G to A substitution at nucleotide position 808, causing the valine (V) at amino acid position 270 to be replaced by a methionine (M). Based on data from gnomAD, the A allele has an overall frequency of 0.003% (1/31396) total alleles studied. The highest observed frequency was 0.012% (1/8712) of African alleles. Based on insufficient or conflicting evidence, the clinical significance of this alteration remains unclear.

Labcorp Genetics (formerly Invitae), Labcorp
Classification: Uncertain significance for Brugada syndrome. Last evaluated: 2024-04-26. Review status: criteria provided, single submitter. Criteria: Invitae Variant Classification Sherloc (09022015). Collection method: clinical testing. Allele origin: germline.
Comment: This sequence change replaces valine, which is neutral and non-polar, with methionine, which is neutral and non-polar, at codon 270 of the KCNJ8 protein (p.Val270Met). This variant is present in population databases (no rsID available, gnomAD 0.01%). This variant has not been reported in the literature in individuals affected with KCNJ8-related conditions. ClinVar contains an entry for this variant (Variation ID: 1761943). Advanced modeling of protein sequence and biophysical properties (such as structural, functional, and spatial information, amino acid conservation, physicochemical variation, residue mobility, and thermodynamic stability) performed at Invitae indicates that this missense variant is not expected to disrupt KCNJ8 protein function with a negative predictive value of 80%. In summary, the available evidence is currently insufficient to determine the role of this variant in disease. Therefore, it has been classified as a Variant of Uncertain Significance.